The following is an entry in ClinVar:

ClinVar aggregate classification (germline): Uncertain significance. Review status: criteria provided, multiple submitters, no conflicts (2 of 4 stars). 4 submissions from 4 submitters: Uncertain significance (4). Last evaluated 2025-01-18.

Conditions:
Inborn genetic diseases. Identifiers: MedGen C0950123, MeSH D030342.
Fanconi anemia (FA). Also called: Fanconi's anemia. Identifiers: Orphanet 84, MedGen C0015625, MeSH D005199, MONDO:0019391.

Allele frequency attached by ClinVar (database versions not stated): gnomAD 0.00001; TOPMed 0.00002.
gnomAD v4.1: 7 of 1,614,046 alleles (0.00043%); highest among the groups gnomAD compares: Non-Finnish European, 0.00059%; no homozygotes.

Submissions (4):

Quest Diagnostics Nichols Institute San Juan Capistrano
Classification: Uncertain significance. Last evaluated: 2025-01-18. Review status: criteria provided, single submitter. Criteria: Quest Diagnostics criteria. Collection method: clinical testing. Allele origin: unknown.
Comment: The FANCM c.314G>T (p.Cys105Phe) variant has not been reported in individuals with FANCM-related conditions in the published literature. The frequency of this variant in the general population (Genome Aggregation Database) is uninformative in the assessment of its pathogenicity. Analysis of this variant using bioinformatics tools for the prediction of the effect of amino acid changes on protein structure and function yielded conflicting predictions that this variant is benign or damaging. Based on the available information, we are unable to determine the clinical significance of this variant.

Ambry Genetics
Classification: Uncertain significance for Inborn genetic diseases. Last evaluated: 2024-12-02. Review status: criteria provided, single submitter. Criteria: Ambry Variant Classification Scheme 2023. Collection method: clinical testing. Allele origin: germline.
Comment: The p.C105F variant (also known as c.314G>T), located in coding exon 1 of the FANCM gene, results from a G to T substitution at nucleotide position 314. The cysteine at codon 105 is replaced by phenylalanine, an amino acid with highly dissimilar properties. This amino acid position is conserved. In addition, this alteration is predicted to be tolerated by in silico analysis. Based on the available evidence, the clinical significance of this variant remains unclear.

Labcorp Genetics (formerly Invitae), Labcorp
Classification: Uncertain significance for Fanconi anemia. Last evaluated: 2023-03-02. Review status: criteria provided, single submitter. Criteria: Invitae Variant Classification Sherloc (09022015). Collection method: clinical testing. Allele origin: germline.
Comment: This variant has not been reported in the literature in individuals affected with FANCM-related conditions. In summary, the available evidence is currently insufficient to determine the role of this variant in disease. Therefore, it has been classified as a Variant of Uncertain Significance. An algorithm developed to predict the effect of missense changes on protein structure and function (PolyPhen-2) suggests that this variant is likely to be tolerated. ClinVar contains an entry for this variant (Variation ID: 950633). This variant is present in population databases (no rsID available, gnomAD 0.0009%). This sequence change replaces cysteine, which is neutral and slightly polar, with phenylalanine, which is neutral and non-polar, at codon 105 of the FANCM protein (p.Cys105Phe).

GeneDx
Classification: Uncertain significance. Last evaluated: 2022-03-17. Review status: criteria provided, single submitter. Criteria: GeneDx Variant Classification Process June 2021. Collection method: clinical testing. Allele origin: germline. Affected: yes.
Comment: Not observed at significant frequency in large population cohorts (gnomAD); In silico analysis supports that this missense variant has a deleterious effect on protein structure/function; Has not been previously published as pathogenic or benign to our knowledge

Literature cited by the submitters: PubMed 37349538 (cited by Quest Diagnostics Nichols Institute San Juan Capistrano).

NM_020937.4(FANCM):c.314G>T (p.Cys105Phe)

Gene: FANCM (FA complementation group M; plus strand). Cytogenetic location: 14q21.2.
Variant type: single nucleotide variant.
Coding change: c.314G>T on transcript NM_020937.4 (MANE Select); coding-DNA position 314, G replaced by T.
Protein change: p.Cys105Phe; replaces cysteine 105 with phenylalanine.
Molecular consequence: missense variant.
Genome position (GRCh38, 1-based): chr14:45,136,345, G>T. VCF-style: chr14-45136345-G-T. GRCh37 (hg19) VCF-style: chr14-45605548-G-T.
Other names: c.314G>T (NM_020937.3); c.314G>T, p.Cys105Phe (NM_001308133.2, NM_001308134.2); short protein forms C105F.
Identifiers: ClinVar variation 950633 (VCV000950633.14), dbSNP rs955997534, ClinGen allele CA259602426.